The following is an entry in ClinVar:

ClinVar aggregate classification (germline): Uncertain significance. Review status: criteria provided, multiple submitters, no conflicts (2 of 4 stars). 2 submissions from 2 submitters: Uncertain significance (2). Last evaluated 2024-12-22.

Conditions:
Angelman syndrome (AS). Also called: HAPPY PUPPET SYNDROME. Identifiers: Orphanet 72, MedGen C0162635, MONDO:0007113, OMIM 105830. Disease mechanism: loss of function. Inheritance: AS is caused by disruption of maternally imprinted UBE3A located within the 15q11.2-q13 Angelman syndrome/Prader-Willi syndrome (AS/PWS) region., imprinting disorder.

Submissions (2):

Labcorp Genetics (formerly Invitae), Labcorp
Classification: Uncertain significance for Angelman syndrome. Last evaluated: 2024-12-22. Review status: criteria provided, single submitter. Criteria: Invitae Variant Classification Sherloc (09022015). Collection method: clinical testing. Allele origin: germline.
Comment: This sequence change replaces arginine, which is basic and polar, with lysine, which is basic and polar, at codon 687 of the UBE3A protein (p.Arg687Lys). This variant is not present in population databases (gnomAD no frequency). This variant has not been reported in the literature in individuals affected with UBE3A-related conditions. Invitae Evidence Modeling of protein sequence and biophysical properties (such as structural, functional, and spatial information, amino acid conservation, physicochemical variation, residue mobility, and thermodynamic stability) indicates that this missense variant is not expected to disrupt UBE3A protein function with a negative predictive value of 80%. In summary, the available evidence is currently insufficient to determine the role of this variant in disease. Therefore, it has been classified as a Variant of Uncertain Significance.

GeneDx
Classification: Uncertain significance. Last evaluated: 2024-09-23. Review status: criteria provided, single submitter. Criteria: GeneDx Variant Classification Process June 2021. Collection method: clinical testing. Allele origin: germline. Affected: yes.
Comment: Not observed at significant frequency in large population cohorts (gnomAD); In silico analysis indicates that this missense variant does not alter protein structure/function; Has not been previously published as pathogenic or benign to our knowledge

NM_130839.5(UBE3A):c.2120G>A (p.Arg707Lys)

Genes: SNHG14 (small nucleolar RNA host gene 14; plus strand), UBE3A (ubiquitin protein ligase E3A; minus strand). Cytogenetic location: 15q11.2.
Variant type: single nucleotide variant.
Coding change: c.2120G>A on transcript NM_130839.5 (MANE Select); coding-DNA position 2120, G replaced by A.
Protein change: p.Arg707Lys; replaces arginine 707 with lysine.
Molecular consequence: missense variant. On other transcripts: non-coding transcript variant (1), intron variant (1).
Genome position (GRCh38, 1-based): chr15:25,355,896, C>T on the plus strand (G>A on the coding strand, the complement: UBE3A is on the minus strand). VCF-style: chr15-25355896-C-T. GRCh37 (hg19) VCF-style: chr15-25601043-C-T.
Other names: c.2060G>A, p.Arg687Lys (NM_001354543.2, NM_001354544.2, NM_001354547.2 and 16 more transcripts); c.2120G>A, p.Arg707Lys (NM_001354545.2, NM_001354505.1, NM_001354538.2); c.1943G>A, p.Arg648Lys (NM_001354546.2); c.869G>A, p.Arg290Lys (NM_001354550.2); c.809G>A, p.Arg270Lys (NM_001354551.2); c.2129G>A, p.Arg710Lys (NM_000462.5); c.1899+795G>A (NM_001354549.2); short protein forms R707K, R687K, R710K, R270K, R290K, R648K.
Identifiers: ClinVar variation 3666818 (VCV003666818.3).